The following is an entry in ClinVar:

ClinVar aggregate classification (germline): Benign/Likely benign. Review status: criteria provided, multiple submitters, no conflicts (2 of 4 stars). 3 submissions from 3 submitters: Benign (1); Likely benign (2). Last evaluated 2025-05-22.

Conditions:
Tuberous sclerosis 2 (TSC2). Identifiers: Orphanet 805, MedGen C1860707, MONDO:0013199, OMIM 613254.
Hereditary cancer-predisposing syndrome. Also called: Tumor predisposition; Hereditary Cancer Syndrome; Neoplastic Syndromes, Hereditary; Hereditary neoplastic syndrome. Identifiers: Orphanet 140162, MedGen C0027672, MeSH D009386, MONDO:0015356.

Allele frequency attached by ClinVar (database versions not stated): gnomAD 0.00001; TOPMed 0.00001.
gnomAD v4.1: 2 of 1,613,432 alleles (0.00012%); highest among the groups gnomAD compares: African/African-American, 0.0013%; no homozygotes.

Submissions (3):

Myriad Genetics, Inc.
Classification: Benign for Tuberous sclerosis 2. Last evaluated: 2025-05-22. Review status: criteria provided, single submitter. Criteria: Myriad Autosomal Dominant, Autosomal Recessive and X-Linked Classification Criteria (2023). Collection method: clinical testing. Allele origin: unknown.
Comment: This variant is considered benign. This variant is a silent/synonymous amino acid change and it is not expected to impact splicing.

Ambry Genetics
Classification: Likely benign for Hereditary cancer-predisposing syndrome. Last evaluated: 2025-01-30. Review status: criteria provided, single submitter. Criteria: Ambry Variant Classification Scheme 2023. Collection method: clinical testing. Allele origin: germline.

Labcorp Genetics (formerly Invitae), Labcorp
Classification: Likely benign for Tuberous sclerosis 2. Last evaluated: 2024-11-24. Review status: criteria provided, single submitter. Criteria: Invitae Variant Classification Sherloc (09022015). Collection method: clinical testing. Allele origin: germline.

NM_000548.5(TSC2):c.2763C>A (p.Leu921=)

Gene: TSC2 (TSC complex subunit 2; plus strand). Cytogenetic location: 16p13.3.
Variant type: single nucleotide variant.
Coding change: c.2763C>A on transcript NM_000548.5 (MANE Select); coding-DNA position 2763, C replaced by A.
Protein change: p.Leu921=; no amino-acid change (leucine 921 retained).
Molecular consequence: synonymous variant. On other transcripts: non-coding transcript variant (5).
Genome position (GRCh38, 1-based): chr16:2,076,511, C>A. VCF-style: chr16-2076511-C-A. GRCh37 (hg19) VCF-style: chr16-2126512-C-A.
Other names: c.2763C>A, p.Leu921= (NM_001406665.1, NM_001406663.1, NM_001406664.1 and 6 more transcripts); c.2853C>A, p.Leu951= (NM_001406667.1, NM_001406668.1); c.2301C>A, p.Leu767= (NM_001406681.1); c.2163C>A, p.Leu721= (NM_001406682.1, NM_001406683.1, NM_001406684.1 and 6 more transcripts); c.2706C>A, p.Leu902= (NM_001406677.1); c.2652C>A, p.Leu884= (NM_001406678.1, NM_001406670.1, NM_001318827.2); c.2616C>A, p.Leu872= (NM_001406679.1, NM_001406675.1, NM_001406676.1 and 1 more transcripts); c.2751C>A, p.Leu917= (NM_001406671.1, NM_001406673.1); and 3 more.
Identifiers: ClinVar variation 2960257 (VCV002960257.5), dbSNP rs771817176, ClinGen allele CA492954316.